The following is an entry in ClinVar:

ClinVar aggregate classification (germline): Benign/Likely benign. Review status: criteria provided, multiple submitters, no conflicts (2 of 4 stars). 3 submissions from 3 submitters: Benign (1); Likely benign (2). Last evaluated 2024-03-27.

Conditions:
Linear nevus sebaceous syndrome. Also called: SCHIMMELPENNING-FEUERSTEIN-MIMS SYNDROME, SOMATIC MOSAIC; JADASSOHN NEVUS PHAKOMATOSIS; NEVUS SEBACEUS OF JADASSOHN; ORGANOID NEVUS PHAKOMATOSIS; SFM SYNDROME; Sebaceous nevus syndrome and hemimegalencephaly. Identifiers: Orphanet 2612, MedGen C4552097, MONDO:0008097, OMIM 163200, HP:0010817.
Acute myeloid leukemia (AML). Also called: Leukemia, acute myeloid, somatic; Leukemia, acute myelogenous, somatic; Acute myeloid leukemia, adult; AML adult; Acute non-lymphocytic leukemia; Acute granulocytic leukemia. Identifiers: Orphanet 519, MedGen C0023467, MeSH D015470, MONDO:0018874, OMIM 601626, HP:0004808. Disease mechanism: Constitutively activated FLT3.
Gastric cancer. Also called: Malignant tumor of stomach; Stomach cancer. Identifiers: MedGen C0024623, MeSH D013274, MONDO:0001056, OMIM 613659, HP:0012126.
Familial cancer of breast. Also called: Hereditary breast cancer; BREAST CANCER, FAMILIAL; hereditary breast carcinoma. Identifiers: Orphanet 227535, MedGen C0346153, MONDO:0016419, OMIM 114480. Disease mechanism: loss of function.
Noonan syndrome 3 (NS3). Also called: KRAS-Related Noonan Syndrome. Identifiers: Orphanet 648, MedGen C1860991, MONDO:0012371, OMIM 609942.
Toriello-Lacassie-Droste syndrome. Identifiers: Orphanet 3339, MedGen C1838329, MONDO:0010854, OMIM 600268.
Cerebral arteriovenous malformation (BAVM). Also called: Arteriovenous malformations of the brain; CEREBRAL ARTERIOVENOUS MALFORMATIONS. Identifiers: Orphanet 46724, MedGen C0917804, MONDO:0007154, OMIM 108010, HP:0002408.
Malignant tumor of urinary bladder. Also called: Urinary Bladder Neoplasms; Urinary bladder cancer; Bladder cancer. Identifiers: MedGen C0005684, MONDO:0001187, OMIM 109800.
Carcinoma of pancreas. Also called: PANCREATIC ACINAR CARCINOMA; PANCREATIC CARCINOMA; Pancreatic cancer, somatic; Pancreatic carcinoma, somatic; Exocrine pancreatic carcinoma. Identifiers: Orphanet 1333, Orphanet 217074, MedGen C0235974, MONDO:0005192. Disease mechanism: loss of function.
Autoimmune lymphoproliferative syndrome type 4. Also called: AUTOIMMUNE LYMPHOPROLIFERATIVE SYNDROME, TYPE IV; RAS-associated autoimmune leukoproliferative disorder. Identifiers: Orphanet 268114, MedGen C2674723, MONDO:0013767, OMIM 614470.
Lung cancer. Also called: Malignant tumor of lung; Lung cancer, somatic. Identifiers: MedGen C0242379, MONDO:0008903, OMIM 211980.
Cardiofaciocutaneous syndrome 2 (CFC2). Also called: KRAS-Related Cardiofaciocutaneous Syndrome. Identifiers: Orphanet 1340, MedGen C3809005, MONDO:0014112, OMIM 615278.

Allele frequency attached by ClinVar (database versions not stated): 1000 Genomes Project 0.00100; gnomAD exomes 0.00005 and 0.00029; gnomAD 0.00006 and 0.00009; TOPMed 0.00009; ExAC 0.00028; 1000 Genomes Project 30x 0.00094.
gnomAD v4.1: 93 of 1,613,328 alleles (0.0058%); highest among the groups gnomAD compares: East Asian, 0.16%; no homozygotes.

Submissions (3):

Blueprint Genetics
Classification: Likely benign. Last evaluated: 2024-03-27. Review status: criteria provided, single submitter. Criteria: ACMG Guidelines, 2015. Collection method: clinical testing. Allele origin: germline.

Fulgent Genetics
Classification: Likely benign for Cerebral arteriovenous malformation; Malignant tumor of urinary bladder; Familial cancer of breast; Linear nevus sebaceous syndrome; Lung cancer; Familial pancreatic carcinoma; Toriello-Lacassie-Droste syndrome; Acute myeloid leukemia; Noonan syndrome 3; Gastric cancer; Autoimmune lymphoproliferative syndrome type 4; Cardiofaciocutaneous syndrome 2. Last evaluated: 2021-08-11. Review status: criteria provided, single submitter. Criteria: ACMG Guidelines, 2015. Collection method: clinical testing. Allele origin: unknown.

Women's Health and Genetics/Laboratory Corporation of America, LabCorp
Classification: Benign. Last evaluated: 2016-02-23. Review status: criteria provided, single submitter. Criteria: LabCorp Variant Classification Summary - May 2015. Collection method: clinical testing. Allele origin: germline.
Comment: Variant summary: The KRAS c.*4+5G>A variant affects a conserved nucleotide in the 3UTR. Mutation Taster predicts a damaging outcome for this variant. This variant is found in 34/121322 control chromosomes at a frequency of 0.0002802, which is about 22 times the maximal expected frequency of a pathogenic KRAS allele (0.0000125), suggesting this variant is benign. The variant of interest has not, to our knowledge, been reported in affected individuals via publications and/or reputable databases/clinical laboratories; nor evaluated for functional impact by in vivo/vitro studies. Taken together, this variant was classified as benign.

NM_033360.4(KRAS):c.4+5G>A

Gene: KRAS (KRas proto-oncogene, GTPase; minus strand). Cytogenetic location: 12p12.1.
Variant type: single nucleotide variant.
Coding change: c.4+5G>A on transcript NM_033360.4 (MANE Plus Clinical); 5 bases into the intron after coding-DNA position 4, G replaced by A.
Molecular consequence: intron variant.
Genome position (GRCh38, 1-based): chr12:25,215,432, C>T on the plus strand (G>A on the coding strand, the complement: KRAS is on the minus strand). VCF-style: chr12-25215432-C-T. GRCh37 (hg19) VCF-style: chr12-25368366-C-T.
Other names: c.451-5521G>A (LRG_344t1, NM_001369787.1, NM_004985.5); c.4+5G>A (LRG_344t2, NM_001369786.1); c.*4+5G>A (NM_033360.4).
Identifiers: ClinVar variation 496491 (VCV000496491.3), dbSNP rs201789109, ClinGen allele CA6486847.